The following is an entry in ClinVar:

ClinVar aggregate classification (germline): Likely benign. Review status: criteria provided, multiple submitters, no conflicts (2 of 4 stars). 2 submissions from 2 submitters: Likely benign (2). Last evaluated 2024-10-01.

Submissions (2):

CeGaT Center for Human Genetics Tuebingen
Classification: Likely benign. Last evaluated: 2024-10-01. Review status: criteria provided, single submitter. Criteria: CeGaT Center For Human Genetics Tuebingen Variant Classification Criteria Version 2. Collection method: clinical testing. Allele origin: germline. Affected: yes. Observed: 1 variant allele.
Comment: DSPP: BP4, BP7

Blueprint Genetics
Classification: Likely benign. Last evaluated: 2024-03-11. Review status: criteria provided, single submitter. Criteria: ACMG Guidelines, 2015. Collection method: clinical testing. Allele origin: germline.

NM_014208.3(DSPP):c.2949C>T (p.Ser983=)

Genes: DMP1-AS1 (DMP1 and DSPP antisense RNA 1; minus strand), DSPP (dentin sialophosphoprotein; plus strand). Cytogenetic location: 4q22.1.
Variant type: single nucleotide variant.
Coding change: c.2949C>T on transcript NM_014208.3 (MANE Select); coding-DNA position 2949, C replaced by T.
Protein change: p.Ser983=; no amino-acid change (serine 983 retained).
Molecular consequence: synonymous variant.
Genome position (GRCh38, 1-based): chr4:87,615,611, C>T. VCF-style: chr4-87615611-C-T. GRCh37 (hg19) VCF-style: chr4-88536763-C-T.
Identifiers: ClinVar variation 3387908 (VCV003387908.15).